The following is an entry in ClinVar:

NM_001253852.3(AP4B1):c.389G>A (p.Arg130Gln)

Gene: AP4B1 (adaptor related protein complex 4 subunit beta 1; minus strand). Cytogenetic location: 1p13.2.
Variant type: single nucleotide variant.
Coding change: c.389G>A on transcript NM_001253852.3 (MANE Select); coding-DNA position 389, G replaced by A.
Protein change: p.Arg130Gln; replaces arginine 130 with glutamine.
Molecular consequence: missense variant. On other transcripts: intron variant (1).
Genome position (GRCh38, 1-based): chr1:113,901,835, C>T on the plus strand (G>A on the coding strand, the complement: AP4B1 is on the minus strand). VCF-style: chr1-113901835-C-T. GRCh37 (hg19) VCF-style: chr1-114444457-C-T.
Other names: c.92G>A, p.Arg31Gln (NM_001253853.3); c.389G>A, p.Arg130Gln (NM_006594.5); c.114-1435G>A (NM_001308312.2); short protein forms R31Q, R130Q.
Identifiers: ClinVar variation 641519 (VCV000641519.12), dbSNP rs147043117, ClinGen allele CA1016106.

ClinVar aggregate classification (germline): Uncertain significance. Review status: criteria provided, multiple submitters, no conflicts (2 of 4 stars). 5 submissions from 5 submitters: Uncertain significance (5). Last evaluated 2023-04-11.

Conditions:
Inborn genetic diseases. Identifiers: MedGen C0950123, MeSH D030342.
Hereditary spastic paraplegia 47. Also called: CEREBRAL PALSY, SPASTIC QUADRIPLEGIC, 5; Spastic paraplegia 47, autosomal recessive; adaptor protein 4 (AP-4) deficiency syndrome. Identifiers: Orphanet 280763, MedGen C3279738, MONDO:0013551, OMIM 614066.

Allele frequency attached by ClinVar (database versions not stated): gnomAD exomes 0.00010 and 0.00006; ExAC 0.00010; gnomAD 0.00033 and 0.00036; ESP Exome Variant Server 0.00038; TOPMed 0.00042.
gnomAD v4.1: 133 of 1,614,010 alleles (0.0082%); highest among the groups gnomAD compares: African/African-American, 0.12%; no homozygotes.

Submissions (5):

Genome-Nilou Lab
Classification: Uncertain significance for Hereditary spastic paraplegia 47. Last evaluated: 2023-04-11. Review status: criteria provided, single submitter. Criteria: ACMG Guidelines, 2015. Collection method: clinical testing. Allele origin: germline. Affected: no.

Labcorp Genetics (formerly Invitae), Labcorp
Classification: Uncertain significance for Hereditary spastic paraplegia 47. Last evaluated: 2022-03-12. Review status: criteria provided, single submitter. Criteria: Invitae Variant Classification Sherloc (09022015). Collection method: clinical testing. Allele origin: germline.
Comment: This sequence change replaces arginine, which is basic and polar, with glutamine, which is neutral and polar, at codon 130 of the AP4B1 protein (p.Arg130Gln). This variant is present in population databases (rs147043117, gnomAD 0.1%). This variant has not been reported in the literature in individuals affected with AP4B1-related conditions. ClinVar contains an entry for this variant (Variation ID: 641519). Algorithms developed to predict the effect of missense changes on protein structure and function (SIFT, PolyPhen-2, Align-GVGD) all suggest that this variant is likely to be tolerated. Algorithms developed to predict the effect of sequence changes on RNA splicing suggest that this variant may create or strengthen a splice site. In summary, the available evidence is currently insufficient to determine the role of this variant in disease. Therefore, it has been classified as a Variant of Uncertain Significance.

Mayo Clinic Laboratories, Mayo Clinic
Classification: Uncertain significance. Last evaluated: 2019-08-19. Review status: criteria provided, single submitter. Criteria: ACMG Guidelines, 2015. Collection method: clinical testing. Allele origin: germline. Observed: 1 variant allele.

Ambry Genetics
Classification: Uncertain significance for Inborn genetic diseases. Last evaluated: 2017-06-29. Review status: criteria provided, single submitter. Criteria: Ambry Variant Classification Scheme 2023. Collection method: clinical testing. Allele origin: germline.
Comment: The p.R130Q variant (also known as c.389G>A), located in coding exon 3 of the AP4B1 gene, results from a G to A substitution at nucleotide position 389. The arginine at codon 130 is replaced by glutamine, an amino acid with highly similar properties. This amino acid position is well conserved in available vertebrate species. In addition, this alteration is predicted to be tolerated by in silico analysis. Since supporting evidence is limited at this time, the clinical significance of this alteration remains unclear.

Breakthrough Genomics
Classification: Uncertain significance. Review status: criteria provided, single submitter. Criteria: ACMG Guidelines, 2015. Collection method: not provided. Allele origin: germline. Inheritance: Autosomal recessive inheritance. Affected: yes.